The following is an entry in ClinVar:

ClinVar aggregate classification (germline): Uncertain significance (1 of 4 stars; one submission).

Conditions:
Developmental and epileptic encephalopathy, 12 (DEE12). Identifiers: MedGen C3150988, MONDO:0013389, OMIM 613722.

Allele frequency attached by ClinVar (database versions not stated): gnomAD exomes 0.00001; TOPMed 0.00001.
gnomAD v4.1: 12 of 1,613,892 alleles (0.00074%); highest among the groups gnomAD compares: Non-Finnish European, 0.00093%; no homozygotes.

Submission:

Labcorp Genetics (formerly Invitae), Labcorp
Classification: Uncertain significance for Developmental and epileptic encephalopathy, 12. Last evaluated: 2019-04-23. Review status: criteria provided, single submitter. Criteria: Invitae Variant Classification Sherloc (09022015). Collection method: clinical testing. Allele origin: germline.
Comment: This sequence change replaces threonine with methionine at codon 175 of the PNKP protein (p.Thr175Met). The threonine residue is highly conserved and there is a moderate physicochemical difference between threonine and methionine. This variant is not present in population databases (ExAC no frequency). This variant has not been reported in the literature in individuals with PNKP-related conditions. Algorithms developed to predict the effect of missense changes on protein structure and function are either unavailable or do not agree on the potential impact of this missense change (SIFT: "Deleterious"; PolyPhen-2: "Probably Damaging"; Align-GVGD: "Class C0"). In summary, the available evidence is currently insufficient to determine the role of this variant in disease. Therefore, it has been classified as a Variant of Uncertain Significance.

NM_007254.4(PNKP):c.524C>T (p.Thr175Met)

Gene: PNKP (polynucleotide kinase 3'-phosphatase; minus strand). Cytogenetic location: 19q13.33.
Variant type: single nucleotide variant.
Coding change: c.524C>T on transcript NM_007254.4 (MANE Select); coding-DNA position 524, C replaced by T.
Protein change: p.Thr175Met; replaces threonine 175 with methionine.
Molecular consequence: missense variant.
Genome position (GRCh38, 1-based): chr19:49,864,378, G>A on the plus strand (C>T on the coding strand, the complement: PNKP is on the minus strand). VCF-style: chr19-49864378-G-A. GRCh37 (hg19) VCF-style: chr19-50367635-G-A.
Other names: short protein forms T175M.
Identifiers: ClinVar variation 862426 (VCV000862426.10), dbSNP rs2074802994, ClinGen allele CA406887441.